The following is an entry in ClinVar:

NM_000038.6(APC):c.1010T>C (p.Met337Thr)

Gene: APC (APC regulator of Wnt signaling pathway; plus strand). Cytogenetic location: 5q22.2.
Variant type: single nucleotide variant.
Coding change: c.1010T>C on transcript NM_000038.6 (MANE Select); coding-DNA position 1010, T replaced by C.
Protein change: p.Met337Thr; replaces methionine 337 with threonine.
Molecular consequence: missense variant. On other transcripts: intron variant (4).
Genome position (GRCh38, 1-based): chr5:112,819,042, T>C. VCF-style: chr5-112819042-T-C. GRCh37 (hg19) VCF-style: chr5-112154739-T-C.
Other names: c.1010T>C, p.Met337Thr (NM_001127510.3, NM_001354895.2, NM_001354896.2); c.956T>C, p.Met319Thr (NM_001127511.3); c.1040T>C, p.Met347Thr (NM_001354897.2); c.935T>C, p.Met312Thr (NM_001354898.2); c.926T>C, p.Met309Thr (NM_001354899.2); c.833T>C, p.Met278Thr (NM_001354900.2, NM_001354901.2); c.161T>C, p.Met54Thr (NM_001354906.2); c.964-227T>C (NM_001354902.2); and 3 more; short protein forms M319T, M337T, M54T, M278T, M309T, M312T, M347T.
Identifiers: ClinVar variation 856244 (VCV000856244.48), dbSNP rs1762815063, ClinGen allele CA16023518.

ClinVar aggregate classification (germline): Uncertain significance. Review status: criteria provided, multiple submitters, no conflicts (2 of 4 stars). 2 submissions from 2 submitters: Uncertain significance (2). Last evaluated 2025-07-14.

Conditions:
Hereditary cancer-predisposing syndrome. Also called: Tumor predisposition; Hereditary neoplastic syndrome; Neoplastic Syndromes, Hereditary; Hereditary Cancer Syndrome. Identifiers: Orphanet 140162, MedGen C0027672, MeSH D009386, MONDO:0015356.
Familial adenomatous polyposis 1 (FAP1). Also called: FAMILIAL ADENOMATOUS POLYPOSIS 1, ATTENUATED; POLYPOSIS, ADENOMATOUS INTESTINAL. Identifiers: MedGen C2713442, MONDO:0021056, OMIM 175100. Disease mechanism: loss of function.

Submissions (2):

Labcorp Genetics (formerly Invitae), Labcorp
Classification: Uncertain significance for Familial adenomatous polyposis 1. Last evaluated: 2025-07-14. Review status: criteria provided, single submitter. Criteria: Invitae Variant Classification Sherloc (09022015). Collection method: clinical testing. Allele origin: germline.
Comment: This sequence change replaces methionine, which is neutral and non-polar, with threonine, which is neutral and polar, at codon 337 of the APC protein (p.Met337Thr). This variant is not present in population databases (gnomAD no frequency). This variant has not been reported in the literature in individuals affected with APC-related conditions. ClinVar contains an entry for this variant (Variation ID: 856244). Invitae Evidence Modeling of protein sequence and biophysical properties (such as structural, functional, and spatial information, amino acid conservation, physicochemical variation, residue mobility, and thermodynamic stability) has been performed for this missense variant. However, the output from this modeling did not meet the statistical confidence thresholds required to predict the impact of this variant on APC protein function. In summary, the available evidence is currently insufficient to determine the role of this variant in disease. Therefore, it has been classified as a Variant of Uncertain Significance.

Ambry Genetics
Classification: Uncertain significance for Hereditary cancer-predisposing syndrome. Last evaluated: 2023-11-09. Review status: criteria provided, single submitter. Criteria: Ambry Variant Classification Scheme 2023. Collection method: clinical testing. Allele origin: germline.
Comment: The p.M337T variant (also known as c.1010T>C), located in coding exon 9 of the APC gene, results from a T to C substitution at nucleotide position 1010. The methionine at codon 337 is replaced by threonine, an amino acid with similar properties. This amino acid position is conserved. In addition, in silico predictors for this gene do not accurately predict pathogenicity. Since supporting evidence is limited at this time, the clinical significance of this alteration remains unclear.